The following is an entry in ClinVar:

ClinVar aggregate classification (germline): Uncertain significance (1 of 4 stars; one submission).

Allele frequency attached by ClinVar (database versions not stated): gnomAD 0.00001; TOPMed 0.00002.
gnomAD v4.1: 13 of 1,610,928 alleles (0.00081%); highest among the groups gnomAD compares: Admixed American, 0.02%; 1 homozygote.

Submission:

Labcorp Genetics (formerly Invitae), Labcorp
Classification: Uncertain significance. Last evaluated: 2024-06-03. Review status: criteria provided, single submitter. Criteria: Invitae Variant Classification Sherloc (09022015). Collection method: clinical testing. Allele origin: germline.
Comment: This sequence change replaces threonine, which is neutral and polar, with isoleucine, which is neutral and non-polar, at codon 436 of the CBX2 protein (p.Thr436Ile). This variant is present in population databases (no rsID available, gnomAD 0.03%). This variant has not been reported in the literature in individuals affected with CBX2-related conditions. Advanced modeling of protein sequence and biophysical properties (such as structural, functional, and spatial information, amino acid conservation, physicochemical variation, residue mobility, and thermodynamic stability) performed at Invitae indicates that this missense variant is not expected to disrupt CBX2 protein function with a negative predictive value of 80%. In summary, the available evidence is currently insufficient to determine the role of this variant in disease. Therefore, it has been classified as a Variant of Uncertain Significance.

NM_005189.3(CBX2):c.1307C>T (p.Thr436Ile)

Gene: CBX2 (chromobox 2; plus strand). Cytogenetic location: 17q25.3.
Variant type: single nucleotide variant.
Coding change: c.1307C>T on transcript NM_005189.3 (MANE Select); coding-DNA position 1307, C replaced by T.
Protein change: p.Thr436Ile; replaces threonine 436 with isoleucine.
Molecular consequence: missense variant.
Genome position (GRCh38, 1-based): chr17:79,784,750, C>T. VCF-style: chr17-79784750-C-T. GRCh37 (hg19) VCF-style: chr17-77758549-C-T.
Other names: short protein forms T436I.
Identifiers: ClinVar variation 3020361 (VCV003020361.3), dbSNP rs1480655098, ClinGen allele CA401340151.